The following is an entry in ClinVar:

NM_000346.4(SOX9):c.310del (p.His104fs)

Genes: SOX9 (SRY-box transcription factor 9; plus strand), LOC108021846 (SOX9 promoter region; plus strand). Cytogenetic location: 17q24.3.
Variant type: Deletion.
Coding change: c.310del on transcript NM_000346.4 (MANE Select); coding-DNA position 310, one base deleted (C; older notation c.310delC).
Protein change: p.His104fs; shifts the reading frame from histidine 104.
Molecular consequence: frameshift variant.
Genome position (GRCh38, 1-based): chr17:72,121,701, C deleted. VCF-style (leftmost placement, unchanged base first): chr17-72121700-GC-G. GRCh37 (hg19) VCF-style: chr17-70117841-GC-G.
Other names: short protein forms H104fs.
Identifiers: ClinVar variation 4886511 (VCV004886511.2).

ClinVar aggregate classification (germline): Likely pathogenic (1 of 4 stars; one submission).

Submission:

Dasa
Classification: Likely pathogenic. Last evaluated: 2024-11-27. Review status: criteria provided, single submitter. Criteria: DASA Assertion Criteria. Collection method: clinical testing. Allele origin: germline.
Comment: NM_000346.4(SOX9):c.310del (p.His104Thrfs*6) is a frameshift variant in SOX9 predicted to alter the reading frame and introduce a premature termination codon and is predicted to result in an absent or altered protein product. Loss of function is an established disease mechanism for SOX9 (PMID: 7990924; PMID: 9002675; PMID: 8001137). Also, this variant is absent from population databases. Based on the currently available evidence, this variant is classified as likely pathogenic.

Literature cited by the submitters: PubMed 7990924; PubMed 9002675; PubMed 8001137.